The following is an entry in ClinVar:

NM_007194.4(CHEK2):c.730A>G (p.Lys244Glu)

Gene: CHEK2 (checkpoint kinase 2; minus strand). Cytogenetic location: 22q12.1.
Variant type: single nucleotide variant.
Coding change: c.730A>G on transcript NM_007194.4 (MANE Select); coding-DNA position 730, A replaced by G.
Protein change: p.Lys244Glu; replaces lysine 244 with glutamic acid.
Molecular consequence: missense variant.
Genome position (GRCh38, 1-based): chr22:28,711,971, T>C on the plus strand (A>G on the coding strand, the complement: CHEK2 is on the minus strand). VCF-style: chr22-28711971-T-C. GRCh37 (hg19) VCF-style: chr22-29107959-T-C.
Other names: c.859A>G, p.Lys287Glu (NM_001005735.3); c.67A>G, p.Lys23Glu (NM_001257387.3); c.529A>G, p.Lys177Glu (NM_001349956.3); c.730A>G, p.Lys244Glu (NM_145862.3); short protein forms K23E, K244E, K287E, K177E.
Identifiers: ClinVar variation 3492201 (VCV003492201.1).
Genomic context (GRCh38, chr22:28,711,971, plus strand): 5'-CCTCTCTTGCTGAACCAATAGCAAACTTCCTTTTGCTGATGATCTTTATGGCTACTTTCT[T>C]ACATGTTTTCCTCTCGAAAGCCAGCTTTACCTCTCCACAGGCACCACTAGAGGGAAAAAC-3'
Protein context (NP_009125.1, residues 234-254): VKLAFERKTC[Lys244Glu]KVAIKIISKR

ClinVar aggregate classification (germline): Uncertain significance (1 of 4 stars; one submission).

Conditions:
Hereditary cancer-predisposing syndrome. Also called: Tumor predisposition; Neoplastic Syndromes, Hereditary; Hereditary Cancer Syndrome; Hereditary neoplastic syndrome. Identifiers: Orphanet 140162, MedGen C0027672, MeSH D009386, MONDO:0015356.

Submission:

Ambry Genetics
Classification: Uncertain significance for Hereditary cancer-predisposing syndrome. Last evaluated: 2024-11-02. Review status: criteria provided, single submitter. Criteria: Ambry Variant Classification Scheme 2023. Collection method: clinical testing. Allele origin: germline.
Comment: The p.K244E variant (also known as c.730A>G), located in coding exon 5 of the CHEK2 gene, results from an A to G substitution at nucleotide position 730. The lysine at codon 244 is replaced by glutamic acid, an amino acid with similar properties. This amino acid position is conserved. In addition, this alteration is predicted to be tolerated by in silico analysis. Based on the available evidence, the clinical significance of this variant remains unclear.